The following is an entry in ClinVar:

NM_152703.5(SAMD9L):c.1688C>G (p.Thr563Ser)

Gene: SAMD9L (sterile alpha motif domain containing 9 like; minus strand). Cytogenetic location: 7q21.2.
Variant type: single nucleotide variant.
Coding change: c.1688C>G on transcript NM_152703.5 (MANE Select); coding-DNA position 1688, C replaced by G.
Protein change: p.Thr563Ser; replaces threonine 563 with serine.
Molecular consequence: missense variant.
Genome position (GRCh38, 1-based): chr7:93,134,284, G>C on the plus strand (C>G on the coding strand, the complement: SAMD9L is on the minus strand). VCF-style: chr7-93134284-G-C. GRCh37 (hg19) VCF-style: chr7-92763597-G-C.
Other names: c.1688C>G (NM_152703.2); c.1688C>G, p.Thr563Ser (NM_001303496.3, NM_001303497.3, NM_001303498.3 and 5 more transcripts); short protein forms T563S.
Identifiers: ClinVar variation 1474037 (VCV001474037.9), dbSNP rs368304601, ClinGen allele CA4343697.

ClinVar aggregate classification (germline): Uncertain significance. Review status: criteria provided, multiple submitters, no conflicts (2 of 4 stars). 2 submissions from 2 submitters: Uncertain significance (2). Last evaluated 2025-07-17.

Conditions:
Inborn genetic diseases. Identifiers: MedGen C0950123, MeSH D030342.

Allele frequency attached by ClinVar (database versions not stated): ExAC 0.00001; ESP Exome Variant Server 0.00008.

Submissions (2):

Ambry Genetics
Classification: Uncertain significance for Inborn genetic diseases. Last evaluated: 2025-07-17. Review status: criteria provided, single submitter. Criteria: Ambry Variant Classification Scheme 2023. Collection method: clinical testing. Allele origin: germline.
Comment: The p.T563S variant (also known as c.1688C>G), located in coding exon 1 of the SAMD9L gene, results from a C to G substitution at nucleotide position 1688. The threonine at codon 563 is replaced by serine, an amino acid with similar properties. This amino acid position is conserved. In addition, this alteration is predicted to be tolerated by in silico analysis. Based on the available evidence, the clinical significance of this variant remains unclear.

Labcorp Genetics (formerly Invitae), Labcorp
Classification: Uncertain significance. Last evaluated: 2022-08-31. Review status: criteria provided, single submitter. Criteria: Invitae Variant Classification Sherloc (09022015). Collection method: clinical testing. Allele origin: germline.
Comment: This sequence change replaces threonine, which is neutral and polar, with serine, which is neutral and polar, at codon 563 of the SAMD9L protein (p.Thr563Ser). In summary, the available evidence is currently insufficient to determine the role of this variant in disease. Therefore, it has been classified as a Variant of Uncertain Significance. Algorithms developed to predict the effect of missense changes on protein structure and function are either unavailable or do not agree on the potential impact of this missense change (SIFT: "Not Available"; PolyPhen-2: "Possibly Damaging"; Align-GVGD: "Not Available"). ClinVar contains an entry for this variant (Variation ID: 1474037). This variant has not been reported in the literature in individuals affected with SAMD9L-related conditions. This variant is present in population databases (rs368304601, gnomAD 0.007%).